The following is an entry in ClinVar:

NM_001278495.2(NUTM2B):c.375G>A (p.Ser125=)

Genes: NUTM2B (NUT family member 2B; plus strand), NUTM2B-AS1 (NUTM2B antisense RNA 1; minus strand). Cytogenetic location: 10q22.3.
Variant type: single nucleotide variant.
Coding change: c.375G>A on transcript NM_001278495.2 (MANE Select); coding-DNA position 375, G replaced by A.
Protein change: p.Ser125=; no amino-acid change (serine 125 retained).
Molecular consequence: synonymous variant.
Genome position (GRCh38, 1-based): chr10:79,703,984, G>A. VCF-style: chr10-79703984-G-A. GRCh37 (hg19) VCF-style: chr10-81463740-G-A.
Identifiers: ClinVar variation 4872062 (VCV004872062.2).

ClinVar aggregate classification (germline): Likely benign (1 of 4 stars; one submission).

Submission:

CeGaT Center for Human Genetics Tuebingen
Classification: Likely benign. Last evaluated: 2026-05-01. Review status: criteria provided, single submitter. Criteria: CeGaT Center For Human Genetics Tuebingen Variant Classification Criteria Version 2. Collection method: clinical testing. Allele origin: germline. Affected: yes. Observed: 1 variant allele.
Comment: NUTM2B: BP4, BP7